The following is an entry in ClinVar:

ClinVar aggregate classification (germline): Uncertain significance (1 of 4 stars; one submission).

Conditions:
Dilated cardiomyopathy 1J (CMD1J). Also called: CARDIOMYOPATHY, DILATED, WITH SENSORINEURAL HEARING LOSS, AUTOSOMAL DOMINANT. Identifiers: Orphanet 217622, MedGen C1854368, MONDO:0011541, OMIM 605362.

Allele frequency attached by ClinVar (database versions not stated): gnomAD exomes below 0.00001.
gnomAD v4.1: 1 of 1,598,146 alleles (0.000063%); highest among the groups gnomAD compares: Non-Finnish European, 0.000086%; no homozygotes.

Submission:

Labcorp Genetics (formerly Invitae), Labcorp
Classification: Uncertain significance for Dilated cardiomyopathy 1J. Last evaluated: 2022-09-26. Review status: criteria provided, single submitter. Criteria: Invitae Variant Classification Sherloc (09022015). Collection method: clinical testing. Allele origin: germline.
Comment: In summary, the available evidence is currently insufficient to determine the role of this variant in disease. Therefore, it has been classified as a Variant of Uncertain Significance. Advanced modeling of protein sequence and biophysical properties (such as structural, functional, and spatial information, amino acid conservation, physicochemical variation, residue mobility, and thermodynamic stability) performed at Invitae indicates that this missense variant is not expected to disrupt EYA4 protein function. This sequence change replaces leucine, which is neutral and non-polar, with phenylalanine, which is neutral and non-polar, at codon 503 of the EYA4 protein (p.Leu503Phe). This variant is not present in population databases (gnomAD no frequency). This variant has not been reported in the literature in individuals affected with EYA4-related conditions.

NM_004100.5(EYA4):c.1507C>T (p.Leu503Phe)

Genes: EYA4 (EYA transcriptional coactivator and phosphatase 4; plus strand), TARID (TCF21 antisense RNA inducing promoter demethylation; minus strand). Cytogenetic location: 6q23.2.
Variant type: single nucleotide variant.
Coding change: c.1507C>T on transcript NM_004100.5 (MANE Select); coding-DNA position 1507, C replaced by T.
Protein change: p.Leu503Phe; replaces leucine 503 with phenylalanine.
Molecular consequence: missense variant.
Genome position (GRCh38, 1-based): chr6:133,515,326, C>T. VCF-style: chr6-133515326-C-T. GRCh37 (hg19) VCF-style: chr6-133836464-C-T.
Other names: c.1345C>T, p.Leu449Phe (NM_001301012.2); c.1525C>T, p.Leu509Phe (NM_001301013.2); c.1438C>T, p.Leu480Phe (NM_001370458.1, NM_172103.4); c.1363C>T, p.Leu455Phe (NM_001370459.1); c.1507C>T, p.Leu503Phe (NM_172105.4); short protein forms L449F, L455F, L480F, L503F, L509F.
Identifiers: ClinVar variation 1720390 (VCV001720390.5), dbSNP rs2535378308, ClinGen allele CA365695326.